The following is an entry in ClinVar:

ClinVar aggregate classification (germline): Uncertain significance. Review status: criteria provided, multiple submitters, no conflicts (2 of 4 stars). 3 submissions from 3 submitters: Uncertain significance (3). Last evaluated 2021-11-07.

Conditions:
Microcephaly, normal intelligence and immunodeficiency (NBS). Also called: Nijmegen breakage syndrome; IMMUNODEFICIENCY, MICROCEPHALY, AND CHROMOSOMAL INSTABILITY; Immunodeficiency, microcephaly with normal intelligence; Microcephaly with normal intelligence immunodeficiency and lymphoreticular malignancies; Nonsyndromal microcephaly autosomal recessive with normal intelligence; Seemanova syndrome 2. Identifiers: Orphanet 647, MedGen C0398791, MONDO:0009623, OMIM 251260.

Submissions (3):

Genome-Nilou Lab
Classification: Uncertain significance for Microcephaly, normal intelligence and immunodeficiency. Last evaluated: 2021-11-07. Review status: criteria provided, single submitter. Criteria: ACMG Guidelines, 2015. Collection method: clinical testing. Allele origin: germline. Affected: no.

Labcorp Genetics (formerly Invitae), Labcorp
Classification: Uncertain significance for Microcephaly, normal intelligence and immunodeficiency. Last evaluated: 2019-04-26. Review status: criteria provided, single submitter. Criteria: Invitae Variant Classification Sherloc (09022015). Collection method: clinical testing. Allele origin: germline.
Comment: This sequence change replaces glycine with arginine at codon 695 of the NBN protein (p.Gly695Arg). The glycine residue is moderately conserved and there is a moderate physicochemical difference between glycine and arginine. This variant is not present in population databases (ExAC no frequency). This variant has not been reported in the literature in individuals with NBN-related conditions. Algorithms developed to predict the effect of missense changes on protein structure and function are either unavailable or do not agree on the potential impact of this missense change (SIFT: "Tolerated"; PolyPhen-2: "Probably Damaging"; Align-GVGD: "Class C0"). Algorithms developed to predict the effect of sequence changes on RNA splicing suggest that this variant may create or strengthen a splice site, but this prediction has not been confirmed by published transcriptional studies. In summary, the available evidence is currently insufficient to determine the role of this variant in disease. Therefore, it has been classified as a Variant of Uncertain Significance.

GeneDx
Classification: Uncertain significance. Last evaluated: 2019-04-18. Review status: criteria provided, single submitter. Criteria: GeneDx Variant Classification Process June 2021. Collection method: clinical testing. Allele origin: germline. Affected: yes.
Comment: Not observed in large population cohorts (Lek et al., 2016); Has not been previously published as pathogenic or benign to our knowledge

NM_002485.5(NBN):c.2083G>A (p.Gly695Arg)

Gene: NBN (nibrin; minus strand). Cytogenetic location: 8q21.3.
Variant type: single nucleotide variant.
Coding change: c.2083G>A on transcript NM_002485.5 (MANE Select); coding-DNA position 2083, G replaced by A.
Protein change: p.Gly695Arg; replaces glycine 695 with arginine.
Molecular consequence: missense variant.
Genome position (GRCh38, 1-based): chr8:89,943,354, C>T on the plus strand (G>A on the coding strand, the complement: NBN is on the minus strand). VCF-style: chr8-89943354-C-T. GRCh37 (hg19) VCF-style: chr8-90955582-C-T.
Other names: c.1837G>A, p.Gly613Arg (NM_001024688.3); short protein forms G695R, G613R.
Identifiers: ClinVar variation 946955 (VCV000946955.5), dbSNP rs1554555835, ClinGen allele CA371675859.
Genomic context (GRCh38, chr8:89,943,354, plus strand): 5'-TTCGAGCATGATGAGCTATTAGATCTGATCCTCCAATGATGTGTGGAAGTTTTCCTGCTC[C>T]AGGATATGTGACCTATTGAATAATAAAAGTAGTACAGTAAATCATATTAACAAACAAAAA-3'
Protein context (NP_002476.2, residues 685-705): FKKFKKVTYP[Gly695Arg]AGKLPHIIGG